The following is an entry in ClinVar:

ClinVar aggregate classification (germline): Likely benign. Review status: criteria provided, multiple submitters, no conflicts (2 of 4 stars). 2 submissions from 2 submitters: Likely benign (2). Last evaluated 2026-09-01.

Allele frequency attached by ClinVar (database versions not stated): 1000 Genomes Project 30x 0.00047; 1000 Genomes Project 0.00060; TOPMed 0.00088; gnomAD 0.00096 and 0.00098; ExAC 0.00118; gnomAD exomes 0.00118 and 0.00190; ESP Exome Variant Server 0.00163.
gnomAD v4.1: 2,877 of 1,614,018 alleles (0.18%); highest among the groups gnomAD compares: Non-Finnish European, 0.22%; 8 homozygotes.

Submissions (2):

CeGaT Center for Human Genetics Tuebingen
Classification: Likely benign. Last evaluated: 2026-09-01. Review status: criteria provided, single submitter. Criteria: CeGaT Center For Human Genetics Tuebingen Variant Classification Criteria Version 2. Collection method: clinical testing. Allele origin: germline. Affected: yes. Observed: 3 variant alleles.
Comment: DNAH10: BP4

Blueprint Genetics
Classification: Likely benign. Last evaluated: 2024-11-19. Review status: criteria provided, single submitter. Criteria: ACMG Guidelines, 2015. Collection method: clinical testing. Allele origin: germline.

NM_001372106.1(DNAH10):c.5025C>T (p.Tyr1675=)

Gene: DNAH10 (dynein axonemal heavy chain 10; plus strand). Cytogenetic location: 12q24.31.
Variant type: single nucleotide variant.
Coding change: c.5025C>T on transcript NM_001372106.1 (MANE Select); coding-DNA position 5025, C replaced by T.
Protein change: p.Tyr1675=; no amino-acid change (tyrosine 1675 retained).
Molecular consequence: synonymous variant.
Genome position (GRCh38, 1-based): chr12:123,838,578, C>T. VCF-style: chr12-123838578-C-T. GRCh37 (hg19) VCF-style: chr12-124323125-C-T.
Other names: c.4671C>T, p.Tyr1557= (NM_207437.3).
Identifiers: ClinVar variation 1298562 (VCV001298562.36), dbSNP rs145322154, ClinGen allele CA6863728.